The following is an entry in ClinVar:

NM_017819.4(TRMT10C):c.1125C>T (p.Phe375=)

Gene: TRMT10C (tRNA methyltransferase 10C, mitochondrial RNase P subunit; plus strand). Cytogenetic location: 3q12.3.
Variant type: single nucleotide variant.
Coding change: c.1125C>T on transcript NM_017819.4 (MANE Select); coding-DNA position 1125, C replaced by T.
Protein change: p.Phe375=; no amino-acid change (phenylalanine 375 retained).
Molecular consequence: synonymous variant.
Genome position (GRCh38, 1-based): chr3:101,565,906, C>T. VCF-style: chr3-101565906-C-T. GRCh37 (hg19) VCF-style: chr3-101284750-C-T.
Identifiers: ClinVar variation 716751 (VCV000716751.9), dbSNP rs201166519, ClinGen allele CA2520622.

ClinVar aggregate classification (germline): Likely benign. Review status: criteria provided, multiple submitters, no conflicts (2 of 4 stars). 2 submissions from 2 submitters: Likely benign (2). Last evaluated 2026-02-17.

Conditions:
TRMT10C-related disorder. Also called: TRMT10C-related condition.

Allele frequency attached by ClinVar (database versions not stated): gnomAD 0.00016 and 0.00018; TOPMed 0.00019; ExAC 0.00033; gnomAD exomes 0.00034.
gnomAD v4.1: 350 of 1,614,072 alleles (0.022%); highest among the groups gnomAD compares: Middle Eastern, 0.18%; 3 homozygotes.

Submissions (2):

PreventionGenetics, part of Exact Sciences
Classification: Likely benign for TRMT10C-related condition. Last evaluated: 2026-02-17. Review status: criteria provided, single submitter. Criteria: ACMG Guidelines, 2015. Collection method: clinical testing. Allele origin: germline.
Comment: This variant is classified as likely benign based on ACMG/AMP sequence variant interpretation guidelines (Richards et al. 2015 PMID: 25741868, with internal and published modifications).

Labcorp Genetics (formerly Invitae), Labcorp
Classification: Likely benign. Last evaluated: 2025-08-14. Review status: criteria provided, single submitter. Criteria: Invitae Variant Classification Sherloc (09022015). Collection method: clinical testing. Allele origin: germline.